The following is an entry in ClinVar:

NM_198525.3(KIF7):c.2963A>G (p.Lys988Arg)

Gene: KIF7 (kinesin family member 7; minus strand). Cytogenetic location: 15q26.1.
Variant type: single nucleotide variant.
Coding change: c.2963A>G on transcript NM_198525.3 (MANE Select); coding-DNA position 2963, A replaced by G.
Protein change: p.Lys988Arg; replaces lysine 988 with arginine.
Molecular consequence: missense variant.
Genome position (GRCh38, 1-based): chr15:89,631,643, T>C on the plus strand (A>G on the coding strand, the complement: KIF7 is on the minus strand). VCF-style: chr15-89631643-T-C. GRCh37 (hg19) VCF-style: chr15-90174874-T-C.
Other names: short protein forms K988R.
Identifiers: ClinVar variation 2177144 (VCV002177144.5), dbSNP rs1489699836, ClinGen allele CA393757333.

ClinVar aggregate classification (germline): Uncertain significance. Review status: criteria provided, multiple submitters, no conflicts (2 of 4 stars). 2 submissions from 2 submitters: Uncertain significance (2). Last evaluated 2024-06-19.

Conditions:
Acrocallosal syndrome (ACLS). Also called: HALLUX DUPLICATION, POSTAXIAL POLYDACTYLY, AND ABSENCE OF CORPUS CALLOSUM; Schinzel syndrome 1; Absence of corpus callosum with unusual facial appearance, mental deficiency, duplication of the halluces and polydactyly. Identifiers: Orphanet 36, MedGen C0796147, MONDO:0008708, OMIM 200990.
Multiple epiphyseal dysplasia, Al-Gazali type. Also called: Macrocephaly with multiple epiphyseal dysplasia and distinctive facies. Identifiers: Orphanet 166024, MedGen C1846722, MONDO:0011778, OMIM 607131.
Hydrolethalus syndrome 2 (HLS2). Identifiers: Orphanet 2189, MedGen C3279899, MONDO:0013585, OMIM 614120.

Allele frequency attached by ClinVar (database versions not stated): gnomAD 0.00001; TOPMed 0.00002.

Submissions (2):

Fulgent Genetics
Classification: Uncertain significance for Acrocallosal syndrome; Multiple epiphyseal dysplasia, Al-Gazali type; Hydrolethalus syndrome 2. Last evaluated: 2024-06-19. Review status: criteria provided, single submitter. Criteria: ACMG Guidelines, 2015. Collection method: clinical testing. Allele origin: germline.

Labcorp Genetics (formerly Invitae), Labcorp
Classification: Uncertain significance for Acrocallosal syndrome. Last evaluated: 2022-06-11. Review status: criteria provided, single submitter. Criteria: Invitae Variant Classification Sherloc (09022015). Collection method: clinical testing. Allele origin: germline.
Comment: In summary, the available evidence is currently insufficient to determine the role of this variant in disease. Therefore, it has been classified as a Variant of Uncertain Significance. Algorithms developed to predict the effect of missense changes on protein structure and function (SIFT, PolyPhen-2, Align-GVGD) all suggest that this variant is likely to be tolerated. This variant has not been reported in the literature in individuals affected with KIF7-related conditions. This variant is not present in population databases (gnomAD no frequency). This sequence change replaces lysine, which is basic and polar, with arginine, which is basic and polar, at codon 988 of the KIF7 protein (p.Lys988Arg).